The following is an entry in ClinVar:

ClinVar aggregate classification (germline): Likely pathogenic (0 of 4 stars; one submission).

Conditions:
NEK1-related disorder. Also called: NEK1-related condition.

gnomAD v4.1: 1 of 1,597,782 alleles (0.000063%); highest among the groups gnomAD compares: Admixed American, 0.0017%; no homozygotes.

Submission:

PreventionGenetics, part of Exact Sciences
Classification: Likely pathogenic for NEK1-related condition. Last evaluated: 2024-08-16. Review status: no assertion criteria provided. Collection method: clinical testing. Allele origin: germline.
Comment: The NEK1 c.3291-1G>T variant is predicted to disrupt the AG splice acceptor site and interfere with normal splicing. To our knowledge, this variant has not been reported in the literature or in a large population database, indicating this variant is rare. Variants that disrupt the consensus splice acceptor site in NEK1 are expected to be pathogenic. This variant is interpreted as likely pathogenic.

NM_001199397.3(NEK1):c.3375-1G>T

Gene: NEK1 (NIMA related kinase 1; minus strand). Cytogenetic location: 4q33.
Variant type: single nucleotide variant.
Coding change: c.3375-1G>T on transcript NM_001199397.3 (MANE Select); the canonical splice acceptor site of the intron before coding-DNA position 3375, G replaced by T.
Molecular consequence: splice acceptor variant.
Genome position (GRCh38, 1-based): chr4:169,401,861, C>A on the plus strand (G>T on the coding strand, the complement: NEK1 is on the minus strand). VCF-style: chr4-169401861-C-A. GRCh37 (hg19) VCF-style: chr4-170323012-C-A.
Other names: c.2892-1G>T (NM_001374421.1); c.3240-1G>T (NM_001374420.1); c.3084-1G>T (NM_001199399.3); c.3243-1G>T (NM_001199398.3); c.3291-1G>T (NM_001374419.1, NM_012224.4); c.3159-1G>T (NM_001199400.3); c.3375-1G>T (NM_001374418.1).
Identifiers: ClinVar variation 3346294 (VCV003346294.1).
Genomic context (GRCh38, chr4:169,401,861, plus strand): 5'-AGTAACTGTTCCATCGAGGCCTGCAGCTCTTGTAAATCTGTGTCAGTTTCTTCAAACACA[C>A]TGAAATTTAAAAAGTATAACTAAAAGTTTCAAACATACTGAAATTTACCAAGTTAAACAA-3'